The following is an entry in ClinVar:

NM_000169.3(GLA):c.680G>T (p.Arg227Leu)

Genes: GLA (galactosidase alpha; minus strand), RPL36A-HNRNPH2 (RPL36A-HNRNPH2 readthrough; plus strand). Cytogenetic location: Xq22.1.
Variant type: single nucleotide variant.
Coding change: c.680G>T on transcript NM_000169.3 (MANE Select); coding-DNA position 680, G replaced by T.
Protein change: p.Arg227Leu; replaces arginine 227 with leucine.
Molecular consequence: missense variant. On other transcripts: non-coding transcript variant (3), intron variant (2).
Genome position (GRCh38, 1-based): chrX:101,398,906, C>A on the plus strand (G>T on the coding strand, the complement: GLA is on the minus strand). VCF-style: chrX-101398906-C-A. GRCh37 (hg19) VCF-style: chrX-100653894-C-A.
Other names: c.803G>T, p.Arg268Leu (NM_001406747.1); c.680G>T, p.Arg227Leu (NM_001406748.1); c.300+3449C>A (NM_001199973.2); c.177+7084C>A (NM_001199974.2); short protein forms R227L, R268L.
Identifiers: ClinVar variation 4974910 (VCV004974910.1).
Genomic context (GRCh38, chrX:101,398,906, plus strand): 5'-GATGTCCAGTCCAAGATACTCTTTATACTTTTCCAGGAATCATCAATGTCAGCAAAATTT[C>A]GCCAGTGATTGCAGTACTGTCGGATTTCTGTATAATTGGGCTGTGAAAACAGATATGACT-3'
Protein context (NP_000160.1, residues 217-237): TEIRQYCNHW[Arg227Leu]NFADIDDSWK

ClinVar aggregate classification (germline): Likely pathogenic (1 of 4 stars; one submission).

Conditions:
Fabry disease. Also called: Fabry's disease; ALPHA-GALACTOSIDASE A DEFICIENCY; ANDERSON-FABRY DISEASE; CERAMIDE TRIHEXOSIDASE DEFICIENCY; GLA DEFICIENCY; HEREDITARY DYSTOPIC LIPIDOSIS. Identifiers: Orphanet 324, MedGen C0002986, MONDO:0010526, OMIM 301500, HP:0001071. Disease mechanism: Fabry disease is due to inactivating mutations in the X-linked GLA gene resulting in deficiency of the enzyme Alpha Galactosidase-A., loss of function.

Submission:

Genomenon, Inc
Classification: Likely pathogenic for Fabry disease. Last evaluated: 2026-09-08. Review status: criteria provided, single submitter. Criteria: Genomenon Sequence Variant Interpretation Standards - Updated. Collection method: curation. Allele origin: germline. Affected: yes.
Comment: GLA p.Arg227Leu (c.680G>T) is a missense variant that changes the amino acid at codon 227 from Arginine to Leucine. This variant has been observed in at least one proband with clinical features consistent with Fabry disease (PMID:30477121). This variant is located in a mutational hotspot and/or important functional domain. It is absent or not present at a significant frequency in gnomAD. In silico models predict that this variant is possibly or probably damaging. In conclusion, we classify GLA p.Arg227Leu (c.680G>T) as a likely pathogenic variant.

Literature cited by the submitters: PubMed 30477121.